The following is an entry in ClinVar:

ClinVar aggregate classification (germline): Likely benign. Review status: criteria provided, single submitter (1 of 4 stars). 2 submissions from 1 submitter: Likely benign (2). Last evaluated 2018-01-12.

Conditions:
Ocular cystinosis. Also called: Non-Nephropathic (Ocular) Cystinosis; Non-Nephropathic Cystinosis. Identifiers: Orphanet 213, Orphanet 411641, MedGen C2931013, MONDO:0009064, OMIM 219750.
Nephropathic cystinosis (CTNS). Also called: CYSTINOSIN, DEFECT OF; LYSOSOMAL CYSTINE TRANSPORT PROTEIN, DEFECT OF; Abderhalden Lignac Kaufmann disease; Abderhalden-Kaufmann-Lignac syndrome. Identifiers: Orphanet 213, Orphanet 411629, MedGen C2931187, MONDO:0100151, OMIM 219800.

Allele frequency attached by ClinVar (database versions not stated): 1000 Genomes Project 30x 0.00750; 1000 Genomes Project 0.00759; TOPMed 0.01248; gnomAD 0.01544 and 0.01548.
gnomAD v4.1: 2,338 of 152,236 alleles (1.5%); highest among the groups gnomAD compares: Non-Finnish European, 2.2%; 28 homozygotes.

Submissions (2):

Illumina Laboratory Services, Illumina
Classification: Likely benign for Ocular cystinosis. Last evaluated: 2018-01-12. Review status: criteria provided, single submitter. Criteria: ICSL Variant Classification Criteria 13 December 2019. Collection method: clinical testing. Allele origin: germline.
Comment: This variant was observed in the ICSL laboratory as part of a predisposition screen in an ostensibly healthy population. It had not been previously curated by ICSL or reported in the Human Gene Mutation Database (HGMD: prior to June 1st, 2018), and was therefore a candidate for classification through an automated scoring system. Utilizing variant allele frequency, disease prevalence and penetrance estimates, and inheritance mode, an automated score was calculated to assess if this variant is too frequent to cause the disease. Based on the score and internal cut-off values, a variant classified as likely benign is not then subjected to further curation. The score for this variant resulted in a classification of likely benign for this disease.

Illumina Laboratory Services, Illumina
Classification: Likely benign for Nephropathic cystinosis. Last evaluated: 2018-01-12. Review status: criteria provided, single submitter. Criteria: ICSL Variant Classification Criteria 13 December 2019. Collection method: clinical testing. Allele origin: germline.
Comment: the same text as in the submission from Illumina Laboratory Services, Illumina above.

NM_004937.3(CTNS):c.*1669C>T

Gene: CTNS (cystinosin, lysosomal cystine transporter; plus strand). Cytogenetic location: 17p13.2.
Variant type: single nucleotide variant.
Coding change: c.*1669C>T on transcript NM_004937.3 (MANE Select); 1669 bases downstream of the stop codon, C replaced by T.
Molecular consequence: 3 prime UTR variant.
Genome position (GRCh38, 1-based): chr17:3,662,038, C>T. VCF-style: chr17-3662038-C-T. GRCh37 (hg19) VCF-style: chr17-3565332-C-T.
Other names: c.*1304C>T (NM_001031681.3, NM_001374492.1); c.*1669C>T (NM_001374493.1, NM_001374494.1, NM_001374495.1 and 1 more transcripts).
Identifiers: ClinVar variation 322899 (VCV000322899.5), dbSNP rs117079843, ClinGen allele CA10639490.